The following is an entry in ClinVar:

ClinVar aggregate classification (germline): Uncertain significance (1 of 4 stars; one submission).

gnomAD v4.1: 1 of 1,209,851 alleles (0.000083%); highest among the groups gnomAD compares: African/African-American, 0.0018%; no homozygotes.

Submission:

Greenwood Genetic Center Diagnostic Laboratories, Greenwood Genetic Center
Classification: Uncertain significance. Last evaluated: 2026-05-29. Review status: criteria provided, single submitter. Criteria: ACMG Guidelines, 2015. Collection method: clinical testing. Allele origin: germline.
Comment: PM2, BP4, PP2

NM_181303.2(NLGN3):c.1252G>A (p.Val418Met)

Gene: NLGN3 (neuroligin 3; plus strand). Cytogenetic location: Xq13.1.
Variant type: single nucleotide variant.
Coding change: c.1252G>A on transcript NM_181303.2 (MANE Select); coding-DNA position 1252, G replaced by A.
Protein change: p.Val418Met; replaces valine 418 with methionine.
Molecular consequence: missense variant.
Genome position (GRCh38, 1-based): chrX:71,167,349, G>A. VCF-style: chrX-71167349-G-A. GRCh37 (hg19) VCF-style: chrX-70387199-G-A.
Other names: c.1132G>A, p.Val378Met (NM_001166660.2); c.841G>A, p.Val281Met (NM_001321276.2, NM_001438298.1); c.901G>A, p.Val301Met (NM_001437941.1, NM_001438296.1); c.1192G>A, p.Val398Met (NM_018977.4); short protein forms V281M, V301M, V378M, V398M, V418M.
Identifiers: ClinVar variation 4891108 (VCV004891108.1).